The following is an entry in ClinVar:

NM_005506.4(SCARB2):c.1403C>T (p.Thr468Ile)

Gene: SCARB2 (scavenger receptor class B member 2; minus strand). Cytogenetic location: 4q21.1.
Variant type: single nucleotide variant.
Coding change: c.1403C>T on transcript NM_005506.4 (MANE Select); coding-DNA position 1403, C replaced by T.
Protein change: p.Thr468Ile; replaces threonine 468 with isoleucine.
Molecular consequence: missense variant.
Genome position (GRCh38, 1-based): chr4:76,161,747, G>A on the plus strand (C>T on the coding strand, the complement: SCARB2 is on the minus strand). VCF-style: chr4-76161747-G-A. GRCh37 (hg19) VCF-style: chr4-77082900-G-A.
Other names: p.T468I:ACA>ATA; c.974C>T, p.Thr325Ile (NM_001204255.2); short protein forms T468I, T325I.
Identifiers: ClinVar variation 206720 (VCV000206720.9), dbSNP rs796052948, ClinGen allele CA317085.

ClinVar aggregate classification (germline): Uncertain significance. Review status: criteria provided, multiple submitters, no conflicts (2 of 4 stars). 3 submissions from 3 submitters: Uncertain significance (3). Last evaluated 2022-08-02.

Conditions:
Progressive myoclonic epilepsy. Also called: Myoclonic Epilepsies, Progressive; Familial progressive myoclonic epilepsy; Myoclonus epilepsy; Progressive myoclonus epilepsy. Identifiers: Orphanet 308, Orphanet 98261, MedGen C0751778, MONDO:0020074.
Inborn genetic diseases. Identifiers: MedGen C0950123, MeSH D030342.

Allele frequency attached by ClinVar (database versions not stated): gnomAD exomes below 0.00001; gnomAD 0.00001; TOPMed 0.00001.

Submissions (3):

Ambry Genetics
Classification: Uncertain significance for Inborn genetic diseases. Last evaluated: 2022-08-02. Review status: criteria provided, single submitter. Criteria: Ambry Variant Classification Scheme 2023. Collection method: clinical testing. Allele origin: germline.

Labcorp Genetics (formerly Invitae), Labcorp
Classification: Uncertain significance for Progressive myoclonic epilepsy. Last evaluated: 2021-08-20. Review status: criteria provided, single submitter. Criteria: Invitae Variant Classification Sherloc (09022015). Collection method: clinical testing. Allele origin: germline.

GeneDx
Classification: Uncertain significance. Last evaluated: 2014-05-21. Review status: criteria provided, single submitter. Criteria: GeneDx Variant Classification (06012015). Collection method: clinical testing. Allele origin: germline. Affected: yes.
Comment: p.Thr468Ile (ACA>ATA): c.1403 C>T in exon 12 of the SCARB2 gene (NM_005506.3) A variant of unknown significance has been identified in the SCARB2 gene. The T468I variant has not been published as a mutation, nor has it been reported as a benign polymorphism to our knowledge. It was not observed in approximately 6,500 individuals of European and African American ancestry in the NHLBI Exome Sequencing Project, indicating it is not a common benign variant in these populations. The T468I variant is a non-conservative amino acid substitution, which is likely to impact secondary protein structure as these residues differ in polarity, charge, size and/or other properties. This substitution occurs at a position that is conserved in mammals, and in silico analysis predicts this variant is probably damaging to the protein structure/function. Based on the currently available information, it is unclear whether the T468I variant is a pathogenic mutation or a rare benign variant.The variant is found in EPILEPSY panel(s).